The following is an entry in ClinVar:

ClinVar aggregate classification (germline): Benign/Likely benign. Review status: criteria provided, multiple submitters, no conflicts (2 of 4 stars). 6 submissions from 6 submitters: Benign (2); Likely benign (4). Last evaluated 2025-09-10.

Conditions:
Tuberous sclerosis syndrome (TSC). Also called: Tuberous Sclerosis Complex; Tuberous sclerosis. Identifiers: Orphanet 805, MedGen C0041341, MONDO:0001734.
Hereditary cancer-predisposing syndrome. Also called: Tumor predisposition; Neoplastic Syndromes, Hereditary; Hereditary Cancer Syndrome; Hereditary neoplastic syndrome. Identifiers: Orphanet 140162, MedGen C0027672, MeSH D009386, MONDO:0015356.
Tuberous sclerosis 2 (TSC2). Identifiers: Orphanet 805, MedGen C1860707, MONDO:0013199, OMIM 613254.

Allele frequency attached by ClinVar (database versions not stated): gnomAD exomes below 0.00001.
gnomAD v4.1: 3 of 1,614,202 alleles (0.00019%); highest among the groups gnomAD compares: Admixed American, 0.005%; no homozygotes.

Submissions (6):

Labcorp Genetics (formerly Invitae), Labcorp
Classification: Likely benign for Tuberous sclerosis 2. Last evaluated: 2025-09-10. Review status: criteria provided, single submitter. Criteria: Invitae Variant Classification Sherloc (09022015). Collection method: clinical testing. Allele origin: germline.

Myriad Genetics, Inc.
Classification: Benign for Tuberous sclerosis 2. Last evaluated: 2025-05-02. Review status: criteria provided, single submitter. Criteria: Myriad Autosomal Dominant, Autosomal Recessive and X-Linked Classification Criteria (2023). Collection method: clinical testing. Allele origin: unknown.
Comment: This variant is considered benign. This variant is a silent/synonymous amino acid change and it is not expected to impact splicing.

All of Us Research Program, National Institutes of Health
Classification: Likely benign for Tuberous sclerosis syndrome. Last evaluated: 2024-08-13. Review status: criteria provided, single submitter. Criteria: ACMG Guidelines, 2015. Collection method: clinical testing. Allele origin: germline. Inheritance: Autosomal dominant inheritance. Observed: 2 variant alleles, 2 heterozygotes.
Comment: This study involves interpretation of variants in research participants for the purpose of population health screening. Participant phenotype was not available at the time of variant classification. Additional details can be found in publication PMID: 35346344, PMCID: PMC8962531

Color Diagnostics, LLC DBA Color Health
Classification: Likely benign for Tuberous sclerosis syndrome. Last evaluated: 2024-02-13. Review status: criteria provided, single submitter. Criteria: ACMG Guidelines, 2015. Collection method: clinical testing. Allele origin: germline.

Genome-Nilou Lab
Classification: Benign for Tuberous sclerosis 2. Last evaluated: 2021-11-07. Review status: criteria provided, single submitter. Criteria: ACMG Guidelines, 2015. Collection method: clinical testing. Allele origin: germline. Affected: no.

Ambry Genetics
Classification: Likely benign for Hereditary cancer-predisposing syndrome. Last evaluated: 2016-02-17. Review status: criteria provided, single submitter. Criteria: Ambry Variant Classification Scheme 2023. Collection method: clinical testing. Allele origin: germline.

NM_000548.5(TSC2):c.357C>G (p.Leu119=)

Gene: TSC2 (TSC complex subunit 2; plus strand). Cytogenetic location: 16p13.3.
Variant type: single nucleotide variant.
Coding change: c.357C>G on transcript NM_000548.5 (MANE Select); coding-DNA position 357, C replaced by G.
Protein change: p.Leu119=; no amino-acid change (leucine 119 retained).
Molecular consequence: synonymous variant. On other transcripts: intron variant (1).
Genome position (GRCh38, 1-based): chr16:2,054,316, C>G. VCF-style: chr16-2054316-C-G. GRCh37 (hg19) VCF-style: chr16-2104317-C-G.
Other names: c.357C>G, p.Leu119= (NM_001077183.3, NM_001114382.3, NM_001363528.2 and 3 more transcripts); c.246C>G, p.Leu82= (NM_001318827.2); c.210C>G, p.Leu70= (NM_001318829.2); c.390C>G, p.Leu130= (NM_001318832.2); c.-1-1880C>G (NM_001318831.2).
Identifiers: ClinVar variation 486645 (VCV000486645.20), dbSNP rs1168763677, ClinGen allele CA492955352.
Genomic context (GRCh38, chr16:2,054,316, plus strand): 5'-CGCTGGCAGGCTCTGCTGATCCTGTGGCTTTTGTCTTTAGGGCGAGCGTTTGGGGGTCCT[C>G]AGAGCCCTCTTCTTTAAGGTCATCAAGGATTACCCTTCCAACGAAGACCTTCACGAAAGG-3'
Protein context (NP_000539.2, residues 109-129): VQGQGERLGV[Leu119=]RALFFKVIKD